The following is an entry in ClinVar:

NM_002900.3(RBP3):c.1135G>A (p.Ala379Thr)

Gene: RBP3 (retinol binding protein 3; plus strand). Cytogenetic location: 10q11.22.
Variant type: single nucleotide variant.
Coding change: c.1135G>A on transcript NM_002900.3 (MANE Select); coding-DNA position 1135, G replaced by A.
Protein change: p.Ala379Thr; replaces alanine 379 with threonine.
Molecular consequence: missense variant.
Genome position (GRCh38, 1-based): chr10:47,349,619, G>A. VCF-style: chr10-47349619-G-A. GRCh37 (hg19) VCF-style: chr10-48389743-C-T.
Other names: short protein forms A379T.
Identifiers: ClinVar variation 208301 (VCV000208301.8), dbSNP rs781840247, ClinGen allele CA350896.

ClinVar aggregate classification (germline): Uncertain significance. Review status: criteria provided, multiple submitters, no conflicts (2 of 4 stars). 3 submissions from 3 submitters: Uncertain significance (2). 1 of the submissions does not count toward it. Last evaluated 2021-10-15.

Conditions:
Retinitis pigmentosa 66 (RP66). Identifiers: Orphanet 791, MedGen C3715216, MONDO:0014093, OMIM 615233.
Retinitis pigmentosa (RP). Identifiers: Orphanet 791, MedGen C0035334, MeSH D012174, MONDO:0019200, OMIM 268000. Inheritance: Autosomal dominant, autosomal recessive and X linked inheritance.

Allele frequency attached by ClinVar (database versions not stated): TOPMed below 0.00001; ExAC 0.00001; gnomAD 0.00001; gnomAD exomes 0.00001 and 0.00002.
gnomAD v4.1: 12 of 1,612,634 alleles (0.00074%); highest among the groups gnomAD compares: Non-Finnish European, 0.001%; no homozygotes.

Submissions (3):

Labcorp Genetics (formerly Invitae), Labcorp
Classification: Uncertain significance. Last evaluated: 2021-10-15. Review status: criteria provided, single submitter. Criteria: Invitae Variant Classification Sherloc (09022015). Collection method: clinical testing. Allele origin: germline.
Comment: In summary, the available evidence is currently insufficient to determine the role of this variant in disease. Therefore, it has been classified as a Variant of Uncertain Significance. Algorithms developed to predict the effect of missense changes on protein structure and function (SIFT, PolyPhen-2, Align-GVGD) all suggest that this variant is likely to be tolerated. ClinVar contains an entry for this variant (Variation ID: 208301). This missense change has been observed in individual(s) with retinal degeneration and/or malfunction (PMID: 19074801). This variant is present in population databases (rs781840247, ExAC 0.002%). This sequence change replaces alanine with threonine at codon 379 of the RBP3 protein (p.Ala379Thr). The alanine residue is weakly conserved and there is a small physicochemical difference between alanine and threonine.

Illumina Laboratory Services, Illumina
Classification: Uncertain significance for Retinitis pigmentosa. Last evaluated: 2018-01-13. Review status: criteria provided, single submitter. Criteria: ICSL Variant Classification Criteria 13 December 2019. Collection method: clinical testing. Allele origin: germline.

ClinVar Staff, National Center for Biotechnology Information (NCBI)
Classification: Uncertain significance for Retinitis pigmentosa 66. Last evaluated: 2013-06-27. Review status: no assertion criteria provided. Collection method: literature only. Allele origin: germline. Affected: yes. Not counted in ClinVar's aggregate classification.

Literature cited by the submitters: PubMed 19074801 (cited by Labcorp Genetics (formerly Invitae), Labcorp and ClinVar Staff, National Center for Biotechnology Information (NCBI)).